The following is an entry in ClinVar:

NM_032444.4(SLX4):c.4675C>A (p.Pro1559Thr)

Gene: SLX4 (SLX4 structure-specific endonuclease subunit; minus strand). Cytogenetic location: 16p13.3.
Variant type: single nucleotide variant.
Coding change: c.4675C>A on transcript NM_032444.4 (MANE Select); coding-DNA position 4675, C replaced by A.
Protein change: p.Pro1559Thr; replaces proline 1559 with threonine.
Molecular consequence: missense variant.
Genome position (GRCh38, 1-based): chr16:3,584,833, G>T on the plus strand (C>A on the coding strand, the complement: SLX4 is on the minus strand). VCF-style: chr16-3584833-G-T. GRCh37 (hg19) VCF-style: chr16-3634834-G-T.
Other names: short protein forms P1559T.
Identifiers: ClinVar variation 4762526 (VCV004762526.1).

ClinVar aggregate classification (germline): Uncertain significance (1 of 4 stars; one submission).

Conditions:
Fanconi anemia (FA). Also called: Fanconi's anemia. Identifiers: Orphanet 84, MedGen C0015625, MeSH D005199, MONDO:0019391.

Submission:

Labcorp Genetics (formerly Invitae), Labcorp
Classification: Uncertain significance for Fanconi anemia. Last evaluated: 2025-12-03. Review status: criteria provided, single submitter. Criteria: Invitae Variant Classification Sherloc (09022015). Collection method: clinical testing. Allele origin: germline.
Comment: This sequence change replaces proline, which is neutral and non-polar, with threonine, which is neutral and polar, at codon 1559 of the SLX4 protein (p.Pro1559Thr). This variant is not present in population databases (gnomAD no frequency). This variant has not been reported in the literature in individuals affected with SLX4-related conditions. An algorithm developed to predict the effect of missense changes on protein structure and function (PolyPhen-2) suggests that this variant is likely to be disruptive. In summary, the available evidence is currently insufficient to determine the role of this variant in disease. Therefore, it has been classified as a Variant of Uncertain Significance.